The following is an entry in ClinVar:

NM_000062.3(SERPING1):c.312dup (p.Pro105fs)

Gene: SERPING1 (serpin family G member 1; plus strand). Cytogenetic location: 11q12.1.
Variant type: Duplication.
Coding change: c.312dup on transcript NM_000062.3 (MANE Select); coding-DNA position 312, one base duplicated (A; older notation c.312dupA).
Protein change: p.Pro105fs; shifts the reading frame from proline 105.
Molecular consequence: frameshift variant.
Genome position (GRCh38, 1-based): chr11:57,600,139, A duplicated; the last of 2 consecutive A bases (chr11:57,600,138-57,600,139); duplicating either gives the same sequence. VCF-style (leftmost placement, unchanged base first): chr11-57600137-C-CA. GRCh37 (hg19) VCF-style: chr11-57367610-C-CA.
Other names: c.312dup, p.Pro105fs (NM_001032295.2); c.312dupA (NM_000062.3); short protein forms P105fs.
Identifiers: ClinVar variation 3242425 (VCV003242425.2), dbSNP rs2495426038.

ClinVar aggregate classification (germline): Pathogenic (1 of 4 stars; one submission).

Conditions:
Hereditary angioedema type 1 (HAE1). Identifiers: Orphanet 100050, Orphanet 100051, Orphanet 91378, MedGen C2717906, MONDO:0015053, OMIM 106100.

Submission:

DNA-diagnostics Laboratory, Research Centre For Medical Genetics
Classification: Pathogenic for Hereditary angioedema type 1. Last evaluated: 2024-06-15. Review status: criteria provided, single submitter. Criteria: ACMG Guidelines, 2015. Collection method: research. Allele origin: germline. Inheritance: Autosomal dominant inheritance. Affected: yes. Observed: 2 variant alleles, 2 heterozygotes.
Comment: According to our observation and the published information of Ponard et all, 2020, the c.312dupA variant in SERPING1 meets ACMG/ClinGen SVI guidance criteria to be classified as pathogenic: PVS1, PP4_Str, PS4_Mod, PM2_Sup

Literature cited by the submitters: DOI 10.1002/humu.23917.